The following is an entry in ClinVar:

ClinVar aggregate classification (germline): Uncertain significance. Review status: criteria provided, multiple submitters, no conflicts (2 of 4 stars). 2 submissions from 2 submitters: Uncertain significance (2). Last evaluated 2024-04-05.

Conditions:
KBG syndrome (KBGS). Also called: ANKRD11-Related KBG Syndrome. Identifiers: Orphanet 2332, MedGen C0220687, MONDO:0007846, OMIM 148050.

gnomAD v4.1: 11 of 1,609,388 alleles (0.00068%); highest among the groups gnomAD compares: South Asian, 0.0011%; no homozygotes.

Submissions (2):

Labcorp Genetics (formerly Invitae), Labcorp
Classification: Uncertain significance for KBG syndrome. Last evaluated: 2024-04-05. Review status: criteria provided, single submitter. Criteria: Invitae Variant Classification Sherloc (09022015). Collection method: clinical testing. Allele origin: germline.
Comment: This sequence change replaces threonine, which is neutral and polar, with methionine, which is neutral and non-polar, at codon 1721 of the ANKRD11 protein (p.Thr1721Met). This variant is present in population databases (no rsID available, gnomAD 0.01%). This missense change has been observed in individual(s) with KBG syndrome (PMID: 35833929). Advanced modeling of protein sequence and biophysical properties (such as structural, functional, and spatial information, amino acid conservation, physicochemical variation, residue mobility, and thermodynamic stability) has been performed at Invitae for this missense variant, however the output from this modeling did not meet the statistical confidence thresholds required to predict the impact of this variant on ANKRD11 protein function. Experimental studies have shown that this missense change does not substantially affect ANKRD11 function (PMID: 35833929). In summary, the available evidence is currently insufficient to determine the role of this variant in disease. Therefore, it has been classified as a Variant of Uncertain Significance.

Fulgent Genetics
Classification: Uncertain significance for KBG syndrome. Last evaluated: 2024-01-31. Review status: criteria provided, single submitter. Criteria: ACMG Guidelines, 2015. Collection method: clinical testing. Allele origin: germline.

Literature cited by the submitters: PubMed 35833929 (cited by Labcorp Genetics (formerly Invitae), Labcorp).

NM_013275.6(ANKRD11):c.5162C>T (p.Thr1721Met)

Gene: ANKRD11 (ankyrin repeat domain 11; minus strand). Cytogenetic location: 16q24.3.
Variant type: single nucleotide variant.
Coding change: c.5162C>T on transcript NM_013275.6 (MANE Select); coding-DNA position 5162, C replaced by T.
Protein change: p.Thr1721Met; replaces threonine 1721 with methionine.
Molecular consequence: missense variant.
Genome position (GRCh38, 1-based): chr16:89,281,380, G>A on the plus strand (C>T on the coding strand, the complement: ANKRD11 is on the minus strand). VCF-style: chr16-89281380-G-A. GRCh37 (hg19) VCF-style: chr16-89347788-G-A.
Other names: c.5162C>T, p.Thr1721Met (NM_001256182.2, NM_001256183.2); short protein forms T1721M.
Identifiers: ClinVar variation 3581412 (VCV003581412.3).
Genomic context (GRCh38, chr16:89,281,380, plus strand): 5'-TCGGCGCAGTCGAACACGAGGTCCGCGTAGTCATCGGCGCTGCAGGACGGGGTCCTGGGC[G>A]TGTGCATCACCTCCTCGTAGCTGGGGCAGGATAGCACCGACGTAGGGGTGGGCACGCCAG-3'
Protein context (NP_037407.4, residues 1711-1731): SCPSYEEVMH[Thr1721Met]PRTPSCSADD